The following is an entry in ClinVar:

NM_203446.3(SYNJ1):c.1508G>A (p.Arg503His)

Gene: SYNJ1 (synaptojanin 1; minus strand). Cytogenetic location: 21q22.11.
Variant type: single nucleotide variant.
Coding change: c.1508G>A on transcript NM_203446.3 (MANE Select); coding-DNA position 1508, G replaced by A.
Protein change: p.Arg503His; replaces arginine 503 with histidine.
Molecular consequence: missense variant.
Genome position (GRCh38, 1-based): chr21:32,678,647, C>T on the plus strand (G>A on the coding strand, the complement: SYNJ1 is on the minus strand). VCF-style: chr21-32678647-C-T. GRCh37 (hg19) VCF-style: chr21-34050957-C-T.
Other names: c.1508G>A, p.Arg503His (NM_001160302.2); c.1517G>A, p.Arg506His (NM_001160306.2); c.1625G>A, p.Arg542His (NM_003895.4); short protein forms R542H, R503H, R506H.
Identifiers: ClinVar variation 574661 (VCV000574661.8), dbSNP rs756697570, ClinGen allele CA10003892.

ClinVar aggregate classification (germline): Uncertain significance (1 of 4 stars; one submission).

Conditions:
Developmental and epileptic encephalopathy, 53. Also called: Epileptic encephalopathy, early infantile, 53. Identifiers: MedGen C4479313, MONDO:0033362, OMIM 617389.
Early-onset Parkinson disease 20. Also called: PARKINSON DISEASE 20, AUTOSOMAL RECESSIVE EARLY-ONSET. Identifiers: Orphanet 391411, MedGen C3809824, MONDO:0014233, OMIM 615530.

Allele frequency attached by ClinVar (database versions not stated): gnomAD 0.00002 and 0.00004; gnomAD exomes 0.00004; TOPMed 0.00004; ExAC 0.00005.
gnomAD v4.1: 71 of 1,601,156 alleles (0.0044%); highest among the groups gnomAD compares: Middle Eastern, 0.017%; no homozygotes.

Submission:

Labcorp Genetics (formerly Invitae), Labcorp
Classification: Uncertain significance for Developmental and epileptic encephalopathy, 53; Early-onset Parkinson disease 20. Last evaluated: 2024-12-03. Review status: criteria provided, single submitter. Criteria: Invitae Variant Classification Sherloc (09022015). Collection method: clinical testing. Allele origin: germline.
Comment: This sequence change replaces arginine, which is basic and polar, with histidine, which is basic and polar, at codon 542 of the SYNJ1 protein (p.Arg542His). This variant is present in population databases (rs756697570, gnomAD 0.005%). This variant has not been reported in the literature in individuals affected with SYNJ1-related conditions. ClinVar contains an entry for this variant (Variation ID: 574661). An algorithm developed to predict the effect of missense changes on protein structure and function (PolyPhen-2) suggests that this variant¬¨‚Ä†is likely to be tolerated. In summary, the available evidence is currently insufficient to determine the role of this variant in disease. Therefore, it has been classified as a Variant of Uncertain Significance.